The following is an entry in ClinVar:

ClinVar aggregate classification (germline): Uncertain significance. Review status: criteria provided, multiple submitters, no conflicts (2 of 4 stars). 5 submissions from 5 submitters: Uncertain significance (5). Last evaluated 2025-11-18.

Conditions:
Epidermolysis bullosa simplex 5C, with pyloric atresia (EBS5C). Also called: PLEC-Related Epidermolysis Bullosa with Pyloric Atresia; Epidermolysis bullosa simplex with pyloric atresia; PLEC1-Related Epidermolysis Bullosa with Pyloric Atresia. Identifiers: Orphanet 158684, MedGen C2677349, MONDO:0012807, OMIM 612138.
Epidermolysis bullosa simplex 5B, with muscular dystrophy (EBS5B). Also called: EPIDERMOLYSIS BULLOSA SIMPLEX AND LIMB-GIRDLE MUSCULAR DYSTROPHY; Epidermolysis bullosa simplex with muscular dystrophy. Identifiers: Orphanet 257, MedGen C2931072, MONDO:0009181, OMIM 226670.
Autosomal recessive limb-girdle muscular dystrophy type 2Q (LGMDR17). Also called: MUSCULAR DYSTROPHY, LIMB-GIRDLE, AUTOSOMAL RECESSIVE 17. Identifiers: Orphanet 254361, MedGen C3150989, MONDO:0013390, OMIM 613723.
Epidermolysis bullosa simplex with nail dystrophy (EBS5D). Identifiers: MedGen C4225309, MONDO:0014661, OMIM 616487.
Epidermolysis bullosa simplex, Ogna type (EBS5A). Also called: Pidermolysis bullosa simplex 5A, Ogna type; EPIDERMOLYSIS BULLOSA SIMPLEX 5A, OGNA TYPE. Identifiers: Orphanet 79401, MedGen C0432317, MONDO:0007555, OMIM 131950.
Inborn genetic diseases. Identifiers: MedGen C0950123, MeSH D030342.

Allele frequency attached by ClinVar (database versions not stated): TOPMed 0.00002; gnomAD 0.00003 and 0.00007; gnomAD exomes 0.00009 and 0.00014; ExAC 0.00020; 1000 Genomes Project 30x 0.00031; 1000 Genomes Project 0.00040.
gnomAD v4.1: 145 of 1,612,516 alleles (0.009%); highest among the groups gnomAD compares: South Asian, 0.096%; no homozygotes.

Submissions (5):

Labcorp Genetics (formerly Invitae), Labcorp
Classification: Uncertain significance for Autosomal recessive limb-girdle muscular dystrophy type 2Q; Epidermolysis bullosa simplex, Ogna type; Epidermolysis bullosa simplex with nail dystrophy; Epidermolysis bullosa simplex 5C, with pyloric atresia; Epidermolysis bullosa simplex 5B, with muscular dystrophy. Last evaluated: 2025-11-18. Review status: criteria provided, single submitter. Criteria: Invitae Variant Classification Sherloc (09022015). Collection method: clinical testing. Allele origin: germline.
Comment: This sequence change replaces arginine, which is basic and polar, with tryptophan, which is neutral and slightly polar, at codon 596 of the PLEC protein (p.Arg596Trp). This variant is present in population databases (rs532321410, gnomAD 0.1%). This variant has not been reported in the literature in individuals affected with PLEC-related conditions. ClinVar contains an entry for this variant (Variation ID: 501174). Invitae Evidence Modeling of protein sequence and biophysical properties (such as structural, functional, and spatial information, amino acid conservation, physicochemical variation, residue mobility, and thermodynamic stability) indicates that this missense variant is not expected to disrupt PLEC protein function with a negative predictive value of 80%. In summary, the available evidence is currently insufficient to determine the role of this variant in disease. Therefore, it has been classified as a Variant of Uncertain Significance.

Revvity Omics, Revvity
Classification: Uncertain significance. Last evaluated: 2024-12-26. Review status: criteria provided, single submitter. Criteria: ACMG Guidelines, 2015. Collection method: clinical testing. Allele origin: germline.

Ambry Genetics
Classification: Uncertain significance for Inborn genetic diseases. Last evaluated: 2021-11-09. Review status: criteria provided, single submitter. Criteria: Ambry Variant Classification Scheme 2023. Collection method: clinical testing. Allele origin: germline.

CeGaT Center for Human Genetics Tuebingen
Classification: Uncertain significance. Last evaluated: 2018-09-01. Review status: criteria provided, single submitter. Criteria: CeGaT Center For Human Genetics Tuebingen Variant Classification Criteria Version 2. Collection method: clinical testing. Allele origin: germline. Affected: yes. Observed: 1 variant allele.

Eurofins Ntd Llc (ga)
Classification: Uncertain significance. Last evaluated: 2017-04-03. Review status: criteria provided, single submitter. Criteria: EGL Classification Definitions 2015. Collection method: clinical testing. Allele origin: germline. Observed: 1 variant allele, 1 heterozygote.

NM_201384.3(PLEC):c.1705C>T (p.Arg569Trp)

Gene: PLEC (plectin; minus strand). Cytogenetic location: 8q24.3.
Variant type: single nucleotide variant.
Coding change: c.1705C>T on transcript NM_201384.3 (MANE Select); coding-DNA position 1705, C replaced by T.
Protein change: p.Arg569Trp; replaces arginine 569 with tryptophan.
Molecular consequence: missense variant.
Genome position (GRCh38, 1-based): chr8:143,932,825, G>A on the plus strand (C>T on the coding strand, the complement: PLEC is on the minus strand). VCF-style: chr8-143932825-G-A. GRCh37 (hg19) VCF-style: chr8-145006993-G-A.
Other names: c.1786C>T (NM_000445.3); c.1786C>T, p.Arg596Trp (NM_000445.5); c.1663C>T, p.Arg555Trp (NM_201378.4); c.1639C>T, p.Arg547Trp (NM_201379.3); c.2116C>T, p.Arg706Trp (NM_201380.4); c.1609C>T, p.Arg537Trp (NM_201381.3); c.1705C>T, p.Arg569Trp (NM_201382.4); c.1717C>T, p.Arg573Trp (NM_201383.3); short protein forms R537W, R547W, R555W, R569W, R573W, R596W, R706W.
Identifiers: ClinVar variation 501174 (VCV000501174.54), dbSNP rs532321410, ClinGen allele CA4927895.